The following is an entry in ClinVar:

ClinVar aggregate classification (germline): Conflicting classifications of pathogenicity. Review status: criteria provided, conflicting classifications (1 of 4 stars). 2 submissions from 2 submitters: Uncertain significance (1); Likely benign (1). Last evaluated 2024-12-13.

Conditions:
Inborn genetic diseases. Identifiers: MedGen C0950123, MeSH D030342.

Allele frequency attached by ClinVar (database versions not stated): gnomAD exomes 0.00001 and 0.00003; ExAC 0.00002; TOPMed 0.00003; gnomAD 0.00005; ESP Exome Variant Server 0.00008.

Submissions (2):

Labcorp Genetics (formerly Invitae), Labcorp
Classification: Uncertain significance. Last evaluated: 2024-12-13. Review status: criteria provided, single submitter. Criteria: Invitae Variant Classification Sherloc (09022015). Collection method: clinical testing. Allele origin: germline.
Comment: This sequence change replaces arginine, which is basic and polar, with glutamine, which is neutral and polar, at codon 352 of the TRIP12 protein (p.Arg352Gln). This variant is present in population databases (rs141163529, gnomAD 0.009%). This variant has not been reported in the literature in individuals affected with TRIP12-related conditions. ClinVar contains an entry for this variant (Variation ID: 957271). An algorithm developed to predict the effect of missense changes on protein structure and function (PolyPhen-2) suggests that this variant is likely to be disruptive. In summary, the available evidence is currently insufficient to determine the role of this variant in disease. Therefore, it has been classified as a Variant of Uncertain Significance.

Ambry Genetics
Classification: Likely benign for Inborn genetic diseases. Last evaluated: 2023-01-17. Review status: criteria provided, single submitter. Criteria: Ambry Variant Classification Scheme 2023. Collection method: clinical testing. Allele origin: germline.

NM_001348323.3(TRIP12):c.1181G>A (p.Arg394Gln)

Gene: TRIP12 (thyroid hormone receptor interactor 12; minus strand). Cytogenetic location: 2q36.3.
Variant type: single nucleotide variant.
Coding change: c.1181G>A on transcript NM_001348323.3 (MANE Select); coding-DNA position 1181, G replaced by A.
Protein change: p.Arg394Gln; replaces arginine 394 with glutamine.
Molecular consequence: missense variant.
Genome position (GRCh38, 1-based): chr2:229,836,937, C>T on the plus strand (G>A on the coding strand, the complement: TRIP12 is on the minus strand). VCF-style: chr2-229836937-C-T. GRCh37 (hg19) VCF-style: chr2-230701653-C-T.
Other names: c.1055G>A (NM_004238.1); c.1181G>A, p.Arg394Gln (NM_001284214.2, NM_001348315.2, NM_001348319.1 and 13 more transcripts); c.1055G>A, p.Arg352Gln (NM_001284215.2, NM_001348316.2, NM_001348317.1 and 3 more transcripts); c.146G>A, p.Arg49Gln (NM_001284216.2); c.1094G>A, p.Arg365Gln (NM_001348332.1, NM_001348334.1); short protein forms R352Q, R365Q, R49Q, R394Q.
Identifiers: ClinVar variation 957271 (VCV000957271.11), dbSNP rs141163529, ClinGen allele CA2153342.
Genomic context (GRCh38, chr2:229,836,937, plus strand): 5'-CGAGCAGCTGAAGAATTTACTGCCTCCTGGTTGCTTTCAGGGTCTGCCATTTTCTCCTGT[C>T]GACGAGCTTCAGCTGCTCCTCTTTTGCCCAGGCCAGAGCCTCGCCGACTACAACAGAAAA-3'
Protein context (NP_001335252.1, residues 384-404): LGKRGAAEAR[Arg394Gln]QEKMADPESN